The following is an entry in ClinVar:

NM_000051.4(ATM):c.752T>G (p.Val251Gly)

Gene: ATM (ATM serine/threonine kinase; plus strand). Cytogenetic location: 11q22.3.
Variant type: single nucleotide variant.
Coding change: c.752T>G on transcript NM_000051.4 (MANE Select); coding-DNA position 752, T replaced by G.
Protein change: p.Val251Gly; replaces valine 251 with glycine.
Molecular consequence: missense variant.
Genome position (GRCh38, 1-based): chr11:108,244,877, T>G. VCF-style: chr11-108244877-T-G. GRCh37 (hg19) VCF-style: chr11-108115604-T-G.
Other names: c.752T>G, p.Val251Gly (NM_001351834.2); short protein forms V251G.
Identifiers: ClinVar variation 827103 (VCV000827103.7), dbSNP rs1591503977, ClinGen allele CA382529274.

ClinVar aggregate classification (germline): Uncertain significance. Review status: criteria provided, multiple submitters, no conflicts (2 of 4 stars). 2 submissions from 2 submitters: Uncertain significance (2). Last evaluated 2025-07-24.

Conditions:
Ataxia-telangiectasia syndrome (AT). Also called: ATAXIA-TELANGIECTASIA, COMPLEMENTATION GROUP A; ATAXIA-TELANGIECTASIA, FRESNO VARIANT; Ataxia-telangiectasia, complementation group E; Ataxia telangiectasia (A-T); LOUIS-BAR SYNDROME; Cerebello-oculocutaneous telangiectasia. Identifiers: Orphanet 100, MedGen C0004135, MONDO:0008840, OMIM 208900.
Hereditary cancer-predisposing syndrome. Also called: Neoplastic Syndromes, Hereditary; Hereditary Cancer Syndrome; Hereditary neoplastic syndrome; Tumor predisposition. Identifiers: Orphanet 140162, MedGen C0027672, MeSH D009386, MONDO:0015356.

gnomAD v4.1: 1 of 1,613,844 alleles (0.000062%); no homozygotes.

Submissions (2):

Labcorp Genetics (formerly Invitae), Labcorp
Classification: Uncertain significance for Ataxia-telangiectasia syndrome. Last evaluated: 2025-07-24. Review status: criteria provided, single submitter. Criteria: Invitae Variant Classification Sherloc (09022015). Collection method: clinical testing. Allele origin: germline.
Comment: This sequence change replaces valine, which is neutral and non-polar, with glycine, which is neutral and non-polar, at codon 251 of the ATM protein (p.Val251Gly). This variant is not present in population databases (gnomAD no frequency). This variant has not been reported in the literature in individuals affected with ATM-related conditions. ClinVar contains an entry for this variant (Variation ID: 827103). Invitae Evidence Modeling of protein sequence and biophysical properties (such as structural, functional, and spatial information, amino acid conservation, physicochemical variation, residue mobility, and thermodynamic stability) indicates that this missense variant is not expected to disrupt ATM protein function with a negative predictive value of 95%. In summary, the available evidence is currently insufficient to determine the role of this variant in disease. Therefore, it has been classified as a Variant of Uncertain Significance.

Ambry Genetics
Classification: Uncertain significance for Hereditary cancer-predisposing syndrome. Last evaluated: 2024-01-03. Review status: criteria provided, single submitter. Criteria: Ambry Variant Classification Scheme 2023. Collection method: clinical testing. Allele origin: germline.
Comment: The p.V251G variant (also known as c.752T>G), located in coding exon 6 of the ATM gene, results from a T to G substitution at nucleotide position 752. The valine at codon 251 is replaced by glycine, an amino acid with dissimilar properties. This amino acid position is not well conserved in available vertebrate species. In addition, the in silico prediction for this alteration is inconclusive. Since supporting evidence is limited at this time, the clinical significance of this alteration remains unclear.